The following is an entry in ClinVar:

NM_000321.3(RB1):c.2726C>T (p.Thr909Ile)

Gene: RB1 (RB transcriptional corepressor 1; plus strand). Cytogenetic location: 13q14.2.
Variant type: single nucleotide variant.
Coding change: c.2726C>T on transcript NM_000321.3 (MANE Select); coding-DNA position 2726, C replaced by T.
Protein change: p.Thr909Ile; replaces threonine 909 with isoleucine.
Molecular consequence: missense variant.
Genome position (GRCh38, 1-based): chr13:48,480,010, C>T. VCF-style: chr13-48480010-C-T. GRCh37 (hg19) VCF-style: chr13-49054146-C-T.
Other names: short protein forms T909I.
Identifiers: ClinVar variation 1016393 (VCV001016393.14), dbSNP rs761999108, ClinGen allele CA388158235.
Genomic context (GRCh38, chr13:48,480,010, plus strand): 5'-TTACCCAGTACCATCAATGCTGTTAACAGTTCTTCATCCTTTTTCCAGCTTCTACTCGAA[C>T]ACGAATGCAAAAGCAGAAAATGAATGATAGCATGGATACCTCAAACAAGGAAGAGAAATG-3'
Protein context (NP_000312.2, residues 899-919): QKLAEMTSTR[Thr909Ile]RMQKQKMNDS

ClinVar aggregate classification (germline): Uncertain significance. Review status: criteria provided, multiple submitters, no conflicts (2 of 4 stars). 4 submissions from 4 submitters: Uncertain significance (4). Last evaluated 2025-10-05.

Conditions:
Hereditary cancer-predisposing syndrome. Also called: Hereditary Cancer Syndrome; Tumor predisposition; Neoplastic Syndromes, Hereditary; Hereditary neoplastic syndrome. Identifiers: Orphanet 140162, MedGen C0027672, MeSH D009386, MONDO:0015356.
Malignant tumor of urinary bladder. Also called: Urinary Bladder Neoplasms; Urinary bladder cancer; Bladder cancer. Identifiers: MedGen C0005684, MONDO:0001187, OMIM 109800.
Retinoblastoma (RB1). Also called: RETINOBLASTOMA, SOMATIC. Identifiers: Orphanet 790, MedGen C0035335, MeSH D012175, MONDO:0008380, OMIM 180200, HP:0009919. Disease mechanism: loss of function. Inheritance: Both sporadic and heritable forms are tested..

Submissions (4):

Labcorp Genetics (formerly Invitae), Labcorp
Classification: Uncertain significance for Retinoblastoma. Last evaluated: 2025-10-05. Review status: criteria provided, single submitter. Criteria: Invitae Variant Classification Sherloc (09022015). Collection method: clinical testing. Allele origin: germline.
Comment: This sequence change replaces threonine, which is neutral and polar, with isoleucine, which is neutral and non-polar, at codon 909 of the RB1 protein (p.Thr909Ile). This variant is not present in population databases (gnomAD no frequency). This variant has not been reported in the literature in individuals affected with RB1-related conditions. ClinVar contains an entry for this variant (Variation ID: 1016393). Invitae Evidence Modeling of protein sequence and biophysical properties (such as structural, functional, and spatial information, amino acid conservation, physicochemical variation, residue mobility, and thermodynamic stability) has been performed for this missense variant. However, the output from this modeling did not meet the statistical confidence thresholds required to predict the impact of this variant on RB1 protein function. In summary, the available evidence is currently insufficient to determine the role of this variant in disease. Therefore, it has been classified as a Variant of Uncertain Significance.

Ambry Genetics
Classification: Uncertain significance for Hereditary cancer-predisposing syndrome. Last evaluated: 2024-11-15. Review status: criteria provided, single submitter. Criteria: Ambry Variant Classification Scheme 2023. Collection method: clinical testing. Allele origin: germline.
Comment: The p.T909I variant (also known as c.2726C>T), located in coding exon 27 of the RB1 gene, results from a C to T substitution at nucleotide position 2726. The threonine at codon 909 is replaced by isoleucine, an amino acid with similar properties. This amino acid position is conserved. In addition, the in silico prediction for this alteration is inconclusive. Since supporting evidence is limited at this time, the clinical significance of this alteration remains unclear.

All of Us Research Program, National Institutes of Health
Classification: Uncertain significance for Retinoblastoma. Last evaluated: 2024-03-24. Review status: criteria provided, single submitter. Criteria: ACMG Guidelines, 2015. Collection method: clinical testing. Allele origin: germline. Inheritance: Autosomal dominant inheritance. Observed: 1 variant allele, 1 heterozygote.
Comment: This missense variant replaces threonine with isoleucine at codon 909 of the RB1 protein. Computational prediction suggests that this variant may not impact protein structure and function (internally defined REVEL score threshold <= 0.5, PMID: 27666373). To our knowledge, functional studies have not been reported for this variant. This variant has not been reported in individuals affected with RB1-related disorders in the literature. This variant has not been identified in the general population by the Genome Aggregation Database (gnomAD). The available evidence is insufficient to determine the role of this variant in disease conclusively. Therefore, this variant is classified as a Variant of Uncertain Significance.

This study involves interpretation of variants in research participants for the purpose of population health screening. Participant phenotype was not available at the time of variant classification. Additional details can be found in publication PMID: 35346344, PMCID: PMC8962531

Baylor Genetics
Classification: Uncertain significance for Malignant tumor of urinary bladder. Last evaluated: 2024-02-02. Review status: criteria provided, single submitter. Criteria: ACMG Guidelines, 2015. Collection method: clinical testing. Allele origin: unknown.